The following is an entry in ClinVar:

NM_201384.3(PLEC):c.3661G>A (p.Ala1221Thr)

Gene: PLEC (plectin; minus strand). Cytogenetic location: 8q24.3.
Variant type: single nucleotide variant.
Coding change: c.3661G>A on transcript NM_201384.3 (MANE Select); coding-DNA position 3661, G replaced by A.
Protein change: p.Ala1221Thr; replaces alanine 1221 with threonine.
Molecular consequence: missense variant.
Genome position (GRCh38, 1-based): chr8:143,927,505, C>T on the plus strand (G>A on the coding strand, the complement: PLEC is on the minus strand). VCF-style: chr8-143927505-C-T. GRCh37 (hg19) VCF-style: chr8-145001673-C-T.
Other names: c.3742G>A, p.Ala1248Thr (NM_000445.5); c.3619G>A, p.Ala1207Thr (NM_201378.4); c.3595G>A, p.Ala1199Thr (NM_201379.3); c.4072G>A, p.Ala1358Thr (NM_201380.4); c.3565G>A, p.Ala1189Thr (NM_201381.3); c.3661G>A, p.Ala1221Thr (NM_201382.4); c.3673G>A, p.Ala1225Thr (NM_201383.3); short protein forms A1189T, A1199T, A1207T, A1221T, A1225T, A1248T, A1358T.
Identifiers: ClinVar variation 167512 (VCV000167512.12), dbSNP rs727504099, ClinGen allele CA234670.
Genomic context (GRCh38, chr8:143,927,505, plus strand): 5'-TGTCGGCCAGCGGCATGGCCTGGATCTGCTCCTGCCGCCGCCTGGCGTCCTGCAGCCAGG[C>T]GCCCAAGGGGTCTGCACTCTCGCGGTAGTAACGCAGCTGGCGGCCCAGTTGCTCGAGCTC-3'
Protein context (NP_958786.1, residues 1211-1231): YYRESADPLG[Ala1221Thr]WLQDARRRQE

ClinVar aggregate classification (germline): Uncertain significance. Review status: criteria provided, multiple submitters, no conflicts (2 of 4 stars). 2 submissions from 2 submitters: Uncertain significance (2). Last evaluated 2025-03-26.

Conditions:
Epidermolysis bullosa simplex 5B, with muscular dystrophy (EBS5B). Also called: Epidermolysis bullosa simplex with muscular dystrophy; EPIDERMOLYSIS BULLOSA SIMPLEX AND LIMB-GIRDLE MUSCULAR DYSTROPHY. Identifiers: Orphanet 257, MedGen C2931072, MONDO:0009181, OMIM 226670.
Autosomal recessive limb-girdle muscular dystrophy type 2Q (LGMDR17). Also called: MUSCULAR DYSTROPHY, LIMB-GIRDLE, AUTOSOMAL RECESSIVE 17. Identifiers: Orphanet 254361, MedGen C3150989, MONDO:0013390, OMIM 613723.
Epidermolysis bullosa simplex with nail dystrophy (EBS5D). Identifiers: MedGen C4225309, MONDO:0014661, OMIM 616487.
Epidermolysis bullosa simplex, Ogna type (EBS5A). Also called: Pidermolysis bullosa simplex 5A, Ogna type; EPIDERMOLYSIS BULLOSA SIMPLEX 5A, OGNA TYPE. Identifiers: Orphanet 79401, MedGen C0432317, MONDO:0007555, OMIM 131950.
Epidermolysis bullosa simplex 5C, with pyloric atresia (EBS5C). Also called: PLEC-Related Epidermolysis Bullosa with Pyloric Atresia; Epidermolysis bullosa simplex with pyloric atresia; PLEC1-Related Epidermolysis Bullosa with Pyloric Atresia. Identifiers: Orphanet 158684, MedGen C2677349, MONDO:0012807, OMIM 612138.

gnomAD v4.1: 10 of 1,597,050 alleles (0.00063%); highest among the groups gnomAD compares: East Asian, 0.0067%; no homozygotes.

Submissions (2):

Labcorp Genetics (formerly Invitae), Labcorp
Classification: Uncertain significance for Autosomal recessive limb-girdle muscular dystrophy type 2Q; Epidermolysis bullosa simplex, Ogna type; Epidermolysis bullosa simplex with nail dystrophy; Epidermolysis bullosa simplex 5C, with pyloric atresia; Epidermolysis bullosa simplex 5B, with muscular dystrophy. Last evaluated: 2025-03-26. Review status: criteria provided, single submitter. Criteria: Invitae Variant Classification Sherloc (09022015). Collection method: clinical testing. Allele origin: germline.
Comment: This sequence change replaces alanine, which is neutral and non-polar, with threonine, which is neutral and polar, at codon 1248 of the PLEC protein (p.Ala1248Thr). The frequency data for this variant in the population databases is considered unreliable, as metrics indicate poor data quality at this position in the gnomAD database. This variant has not been reported in the literature in individuals affected with PLEC-related conditions. ClinVar contains an entry for this variant (Variation ID: 167512). Invitae Evidence Modeling of protein sequence and biophysical properties (such as structural, functional, and spatial information, amino acid conservation, physicochemical variation, residue mobility, and thermodynamic stability) indicates that this missense variant is not expected to disrupt PLEC protein function with a negative predictive value of 80%. In summary, the available evidence is currently insufficient to determine the role of this variant in disease. Therefore, it has been classified as a Variant of Uncertain Significance.

Eurofins Ntd Llc (ga)
Classification: Uncertain significance. Last evaluated: 2014-04-17. Review status: criteria provided, single submitter. Criteria: EGL Classification Definitions 2015. Collection method: clinical testing. Allele origin: germline. Observed: 1 variant allele, 1 heterozygote.